The following is an entry in ClinVar:

NM_152564.5(VPS13B):c.3955A>G (p.Ser1319Gly)

Gene: VPS13B (vacuolar protein sorting 13 homolog B; plus strand). Cytogenetic location: 8q22.2.
Variant type: single nucleotide variant.
Coding change: c.3955A>G on transcript NM_152564.5 (MANE Select); coding-DNA position 3955, A replaced by G.
Protein change: p.Ser1319Gly; replaces serine 1319 with glycine.
Molecular consequence: missense variant.
Genome position (GRCh38, 1-based): chr8:99,501,771, A>G. VCF-style: chr8-99501771-A-G. GRCh37 (hg19) VCF-style: chr8-100513999-A-G.
Other names: c.3955A>G (NM_152564.4); c.3955A>G, p.Ser1319Gly (NM_017890.5); short protein forms S1319G.
Identifiers: ClinVar variation 1368191 (VCV001368191.5), dbSNP rs374363141, ClinGen allele CA4823380.

ClinVar aggregate classification (germline): Uncertain significance. Review status: criteria provided, multiple submitters, no conflicts (2 of 4 stars). 3 submissions from 3 submitters: Uncertain significance (3). Last evaluated 2025-03-26.

Conditions:
Cohen syndrome (COH1). Also called: Cutis verticis gyrata, retinitis pigmentosa, and sensorineural deafness; PEPPER SYNDROME. Identifiers: Orphanet 193, MedGen C0265223, MONDO:0008999, OMIM 216550.
VPS13B-related disorder. Also called: VPS13B-related condition.

Allele frequency attached by ClinVar (database versions not stated): gnomAD exomes below 0.00001; ExAC 0.00001; gnomAD 0.00003 and 0.00004; TOPMed 0.00003; ESP Exome Variant Server 0.00008.
gnomAD v4.1: 6 of 1,614,010 alleles (0.00037%); highest among the groups gnomAD compares: African/African-American, 0.008%; no homozygotes.

Submissions (3):

PreventionGenetics, part of Exact Sciences
Classification: Uncertain significance for VPS13B-related condition. Last evaluated: 2025-03-26. Review status: criteria provided, single submitter. Criteria: ACMG Guidelines, 2015. Collection method: clinical testing. Allele origin: germline.
Comment: The VPS13B c.3955A>G variant is predicted to result in the amino acid substitution p.Ser1319Gly. To our knowledge, this variant has not been reported in the literature. This variant is reported in 0.0080% of alleles in individuals of African descent in gnomAD. At this time, the clinical significance of this variant is uncertain due to the absence of conclusive functional and genetic evidence.

Blueprint Genetics
Classification: Uncertain significance. Last evaluated: 2022-09-30. Review status: criteria provided, single submitter. Criteria: ACMG Guidelines, 2015. Collection method: clinical testing. Allele origin: germline.

Labcorp Genetics (formerly Invitae), Labcorp
Classification: Uncertain significance for Cohen syndrome. Last evaluated: 2022-08-10. Review status: criteria provided, single submitter. Criteria: Invitae Variant Classification Sherloc (09022015). Collection method: clinical testing. Allele origin: germline.
Comment: This sequence change replaces serine, which is neutral and polar, with glycine, which is neutral and non-polar, at codon 1319 of the VPS13B protein (p.Ser1319Gly). This variant is present in population databases (rs374363141, gnomAD 0.008%). This variant has not been reported in the literature in individuals affected with VPS13B-related conditions. ClinVar contains an entry for this variant (Variation ID: 1368191). Algorithms developed to predict the effect of missense changes on protein structure and function are either unavailable or do not agree on the potential impact of this missense change (SIFT: "Not Available"; PolyPhen-2: "Benign"; Align-GVGD: "Not Available"). In summary, the available evidence is currently insufficient to determine the role of this variant in disease. Therefore, it has been classified as a Variant of Uncertain Significance.